The following is an entry in ClinVar:

NM_001844.5(COL2A1):c.3676T>A (p.Leu1226Ile)

Gene: COL2A1 (collagen type II alpha 1 chain; minus strand). Cytogenetic location: 12q13.11.
Variant type: single nucleotide variant.
Coding change: c.3676T>A on transcript NM_001844.5 (MANE Select); coding-DNA position 3676, T replaced by A.
Protein change: p.Leu1226Ile; replaces leucine 1226 with isoleucine.
Molecular consequence: missense variant.
Genome position (GRCh38, 1-based): chr12:47,975,527, A>T on the plus strand (T>A on the coding strand, the complement: COL2A1 is on the minus strand). VCF-style: chr12-47975527-A-T. GRCh37 (hg19) VCF-style: chr12-48369310-A-T.
Other names: c.3469T>A, p.Leu1157Ile (NM_033150.3); short protein forms L1157I, L1226I.
Identifiers: ClinVar variation 1463769 (VCV001463769.8), dbSNP rs2136512147, ClinGen allele CA384536943.

ClinVar aggregate classification (germline): Uncertain significance (1 of 4 stars; one submission).

Allele frequency attached by ClinVar (database versions not stated): gnomAD exomes below 0.00001.

Submission:

Labcorp Genetics (formerly Invitae), Labcorp
Classification: Uncertain significance. Last evaluated: 2023-01-14. Review status: criteria provided, single submitter. Criteria: Invitae Variant Classification Sherloc (09022015). Collection method: clinical testing. Allele origin: germline.
Comment: This variant has not been reported in the literature in individuals affected with COL2A1-related conditions. This variant is not present in population databases (gnomAD no frequency). This sequence change replaces leucine, which is neutral and non-polar, with isoleucine, which is neutral and non-polar, at codon 1226 of the COL2A1 protein (p.Leu1226Ile). ClinVar contains an entry for this variant (Variation ID: 1463769). In summary, the available evidence is currently insufficient to determine the role of this variant in disease. Therefore, it has been classified as a Variant of Uncertain Significance. Advanced modeling of protein sequence and biophysical properties (such as structural, functional, and spatial information, amino acid conservation, physicochemical variation, residue mobility, and thermodynamic stability) performed at Invitae indicates that this missense variant is not expected to disrupt COL2A1 protein function.